The following is an entry in ClinVar:

ClinVar aggregate classification (germline): Uncertain significance (1 of 4 stars; one submission).

Conditions:
Hereditary cancer-predisposing syndrome. Also called: Tumor predisposition; Hereditary neoplastic syndrome; Hereditary Cancer Syndrome; Neoplastic Syndromes, Hereditary. Identifiers: Orphanet 140162, MedGen C0027672, MeSH D009386, MONDO:0015356.

Submission:

Ambry Genetics
Classification: Uncertain significance for Hereditary cancer-predisposing syndrome. Last evaluated: 2025-05-20. Review status: criteria provided, single submitter. Criteria: Ambry Variant Classification Scheme 2023. Collection method: clinical testing. Allele origin: germline.
Comment: The p.L8M variant (also known as c.22C>A), located in coding exon 1 of the RAD51D gene, results from a C to A substitution at nucleotide position 22. The leucine at codon 8 is replaced by methionine, an amino acid with highly similar properties. This amino acid position is conserved. In addition, this alteration is predicted to be tolerated by in silico analysis. Based on the available evidence, the clinical significance of this variant remains unclear.

NM_002878.4(RAD51D):c.22C>A (p.Leu8Met)

Genes: RAD51D (RAD51 paralog D; minus strand), RAD51L3-RFFL (RAD51L3-RFFL readthrough; minus strand). Cytogenetic location: 17q12.
Variant type: single nucleotide variant.
Coding change: c.22C>A on transcript NM_002878.4 (MANE Select); coding-DNA position 22, C replaced by A.
Protein change: p.Leu8Met; replaces leucine 8 with methionine.
Molecular consequence: missense variant. On other transcripts: non-coding transcript variant (2).
Genome position (GRCh38, 1-based): chr17:35,119,592, G>T on the plus strand (C>A on the coding strand, the complement: RAD51D is on the minus strand). VCF-style: chr17-35119592-G-T. GRCh37 (hg19) VCF-style: chr17-33446611-G-T.
Other names: c.22C>A, p.Leu8Met (NM_001142571.2, NM_133629.3); short protein forms L8M.
Identifiers: ClinVar variation 3942391 (VCV003942391.1).